The following is an entry in ClinVar:

NM_000038.6(APC):c.646-5189C>T

Gene: APC (APC regulator of WNT signaling pathway; plus strand). Cytogenetic location: 5q22.2.
Variant type: single nucleotide variant.
Coding change: c.646-5189C>T on transcript NM_000038.6 (MANE Select); 5189 bases into the intron before coding-DNA position 646, C replaced by T.
Molecular consequence: intron variant.
Genome position (GRCh38, 1-based): chr5:112,787,257, C>T. VCF-style: chr5-112787257-C-T. GRCh37 (hg19) VCF-style: chr5-112122954-C-T.
Other names: c.646-5189C>T (NM_001354895.2, NM_001127510.3, NM_001354896.2 and 1 more transcripts); c.676-5189C>T (NM_001354897.2, NM_001354902.2); c.675+6354C>T (NM_001127511.3); c.571-5189C>T (NM_001354898.2, NM_001354904.2); c.-390-5189C>T (NM_001354906.2); c.645+6354C>T (NM_001354899.2); c.469-5189C>T (NM_001354900.2, NM_001354901.2, NM_001354905.2).
Identifiers: ClinVar variation 82970 (VCV000082970.2), dbSNP rs77581862, ClinGen allele CA012033.

ClinVar aggregate classification (germline): other (0 of 4 stars; one submission).

Conditions:
Familial colorectal cancer. Identifiers: MedGen CN280943, MONDO:0023113. Disease mechanism: loss of function.

Submission:

Systems Biology Platform Zhejiang California International NanoSystems Institute
Classification: other for Familial colorectal cancer. Review status: no assertion criteria provided. Collection method: not provided. Allele origin: unknown.
ClinVar note: Converted during submission from cancer to other.